The following is an entry in ClinVar:

ClinVar aggregate classification (germline): Uncertain significance (1 of 4 stars; one submission).

Submission:

CeGaT Center for Human Genetics Tuebingen
Classification: Uncertain significance. Last evaluated: 2026-09-01. Review status: criteria provided, single submitter. Criteria: CeGaT Center For Human Genetics Tuebingen Variant Classification Criteria Version 2. Collection method: clinical testing. Allele origin: germline. Affected: yes. Observed: 1 variant allele.
Comment: RPS27: PM2

NM_001030.6(RPS27):c.79A>T (p.Ser27Cys)

Genes: RPS27 (ribosomal protein S27; plus strand), LOC126805872 (BRD4-independent group 4 enhancer GRCh37_chr1:153962963-153964162; plus strand). Cytogenetic location: 1q21.3.
Variant type: single nucleotide variant.
Coding change: c.79A>T on transcript NM_001030.6 (MANE Select); coding-DNA position 79, A replaced by T.
Protein change: p.Ser27Cys; replaces serine 27 with cysteine.
Molecular consequence: missense variant. On other transcripts: 5 prime UTR variant (2).
Genome position (GRCh38, 1-based): chr1:153,991,187, A>T. VCF-style: chr1-153991187-A-T. GRCh37 (hg19) VCF-style: chr1-153963663-A-T.
Other names: c.-18A>T (NM_001349946.2, NM_001349947.2); short protein forms S27C.
Identifiers: ClinVar variation 5041006 (VCV005041006.1).